The following is an entry in ClinVar:

NM_004656.4(BAP1):c.581-9C>G

Gene: BAP1 (BRCA1 associated deubiquitinase 1; minus strand). Cytogenetic location: 3p21.1.
Variant type: single nucleotide variant.
Coding change: c.581-9C>G on transcript NM_004656.4 (MANE Select); 9 bases into the intron before coding-DNA position 581, C replaced by G.
Molecular consequence: intron variant.
Genome position (GRCh38, 1-based): chr3:52,406,916, G>C on the plus strand (C>G on the coding strand, the complement: BAP1 is on the minus strand). VCF-style: chr3-52406916-G-C. GRCh37 (hg19) VCF-style: chr3-52440932-G-C.
Other names: c.581-9C>G (LRG_529t1).
Identifiers: ClinVar variation 240063 (VCV000240063.14), dbSNP rs878854739, ClinGen allele CA10582204.

ClinVar aggregate classification (germline): Likely benign. Review status: criteria provided, multiple submitters, no conflicts (2 of 4 stars). 3 submissions from 3 submitters: Likely benign (3). Last evaluated 2026-01-28.

Conditions:
BAP1-related disorder. Also called: BAP1-related condition.
Hereditary cancer-predisposing syndrome. Also called: Neoplastic Syndromes, Hereditary; Hereditary neoplastic syndrome; Hereditary Cancer Syndrome; Tumor predisposition. Identifiers: Orphanet 140162, MedGen C0027672, MeSH D009386, MONDO:0015356.
BAP1-related tumor predisposition syndrome (TPDS1). Also called: COMMON Syndrome; BAP1 tumor predisposition syndrome; TUMOR PREDISPOSITION SYNDROME 1; Tumor susceptibility linked to germline BAP1 mutations. Identifiers: Orphanet 289539, MedGen C3280492, MONDO:0013692, OMIM 614327.

Allele frequency attached by ClinVar (database versions not stated): TOPMed below 0.00001; gnomAD exomes 0.00001.
gnomAD v4.1: 9 of 1,569,332 alleles (0.00057%); highest among the groups gnomAD compares: Non-Finnish European, 0.00069%; no homozygotes.

Submissions (3):

Labcorp Genetics (formerly Invitae), Labcorp
Classification: Likely benign for BAP1-related tumor predisposition syndrome. Last evaluated: 2026-01-28. Review status: criteria provided, single submitter. Criteria: Invitae Variant Classification Sherloc (09022015). Collection method: clinical testing. Allele origin: germline.

PreventionGenetics, part of Exact Sciences
Classification: Likely benign for BAP1-related condition. Last evaluated: 2024-12-31. Review status: criteria provided, single submitter. Criteria: ACMG Guidelines, 2015. Collection method: clinical testing. Allele origin: germline.
Comment: This variant is classified as likely benign based on ACMG/AMP sequence variant interpretation guidelines (Richards et al. 2015 PMID: 25741868, with internal and published modifications).

Color Diagnostics, LLC DBA Color Health
Classification: Likely benign for Hereditary cancer-predisposing syndrome. Last evaluated: 2016-03-18. Review status: criteria provided, single submitter. Criteria: ACMG Guidelines, 2015. Collection method: clinical testing. Allele origin: germline.